The following is an entry in ClinVar:

NM_001130969.3(NSMF):c.299G>A (p.Arg100Gln)

Gene: NSMF (NMDA receptor synaptonuclear signaling and neuronal migration factor; minus strand). Cytogenetic location: 9q34.3.
Variant type: single nucleotide variant.
Coding change: c.299G>A on transcript NM_001130969.3 (MANE Select); coding-DNA position 299, G replaced by A.
Protein change: p.Arg100Gln; replaces arginine 100 with glutamine.
Molecular consequence: missense variant.
Genome position (GRCh38, 1-based): chr9:137,457,736, C>T on the plus strand (G>A on the coding strand, the complement: NSMF is on the minus strand). VCF-style: chr9-137457736-C-T. GRCh37 (hg19) VCF-style: chr9-140352188-C-T.
Other names: c.299G>A, p.Arg100Gln (NM_001130970.2, NM_001130971.2, NM_001178064.2 and 2 more transcripts); short protein forms R100Q.
Identifiers: ClinVar variation 3045033 (VCV003045033.3), dbSNP rs374453014, ClinGen allele CA5370572.

ClinVar aggregate classification (germline): Likely benign. Review status: criteria provided, single submitter (1 of 4 stars). 2 submissions from 2 submitters: Likely benign (1). 1 of the submissions does not count toward it. Last evaluated 2024-08-07.

Conditions:
NSMF-related disorder. Also called: NSMF-related condition.

Allele frequency attached by ClinVar (database versions not stated): gnomAD 0.00003; TOPMed 0.00003; gnomAD exomes 0.00005; ESP Exome Variant Server 0.00008; ExAC 0.00011; 1000 Genomes Project 30x 0.00031.
gnomAD v4.1: 73 of 1,557,328 alleles (0.0047%); highest among the groups gnomAD compares: Non-Finnish European, 0.0063%; no homozygotes.

Submissions (2):

Blueprint Genetics
Classification: Likely benign. Last evaluated: 2024-08-07. Review status: criteria provided, single submitter. Criteria: ACMG Guidelines, 2015. Collection method: clinical testing. Allele origin: germline.

PreventionGenetics, part of Exact Sciences
Classification: Uncertain significance for NSMF-related condition. Last evaluated: 2024-01-22. Review status: no assertion criteria provided. Collection method: clinical testing. Allele origin: germline. Not counted in ClinVar's aggregate classification.
Comment: The NSMF c.299G>A variant is predicted to result in the amino acid substitution p.Arg100Gln. To our knowledge, this variant has not been reported in the literature. This variant is reported in 0.0063% of alleles in individuals of European (Non-Finnish) descent in gnomAD. At this time, the clinical significance of this variant is uncertain due to the absence of conclusive functional and genetic evidence.